The following is an entry in ClinVar:

NM_004787.4(SLIT2):c.2886C>G (p.Ile962Met)

Gene: SLIT2 (slit guidance ligand 2; plus strand). Cytogenetic location: 4p15.31.
Variant type: single nucleotide variant.
Coding change: c.2886C>G on transcript NM_004787.4 (MANE Select); coding-DNA position 2886, C replaced by G.
Protein change: p.Ile962Met; replaces isoleucine 962 with methionine.
Molecular consequence: missense variant.
Genome position (GRCh38, 1-based): chr4:20,567,553, C>G. VCF-style: chr4-20567553-C-G. GRCh37 (hg19) VCF-style: chr4-20569176-C-G.
Other names: c.2874C>G, p.Ile958Met (NM_001289135.3); c.2862C>G, p.Ile954Met (NM_001289136.3); short protein forms I962M, I954M, I958M.
Identifiers: ClinVar variation 2040965 (VCV002040965.4), dbSNP rs1217426510, ClinGen allele CA356466352.
Genomic context (GRCh38, chr4:20,567,553, plus strand): 5'-ACTATACTTGCCCCTTCTTCTCCAGGGGCAGGACTGTGATGTCCCAATTCATGCCTGCAT[C>G]AGTAACCCATGTAAACATGGAGGAACTTGCCACTTAAAGGAAGGAGAAGAAGATGGATTC-3'
Protein context (NP_004778.1, residues 952-972): QDCDVPIHAC[Ile962Met]SNPCKHGGTC

ClinVar aggregate classification (germline): Uncertain significance (1 of 4 stars; one submission).

Allele frequency attached by ClinVar (database versions not stated): TOPMed 0.00003.
gnomAD v4.1: 5 of 1,613,252 alleles (0.00031%); highest among the groups gnomAD compares: African/African-American, 0.0067%; no homozygotes.

Submission:

Labcorp Genetics (formerly Invitae), Labcorp
Classification: Uncertain significance. Last evaluated: 2025-06-12. Review status: criteria provided, single submitter. Criteria: Invitae Variant Classification Sherloc (09022015). Collection method: clinical testing. Allele origin: germline.
Comment: This sequence change replaces isoleucine, which is neutral and non-polar, with methionine, which is neutral and non-polar, at codon 962 of the SLIT2 protein (p.Ile962Met). This variant is not present in population databases (gnomAD no frequency). This variant has not been reported in the literature in individuals affected with SLIT2-related conditions. ClinVar contains an entry for this variant (Variation ID: 2040965). An algorithm developed to predict the effect of missense changes on protein structure and function (PolyPhen-2) suggests that this variant is likely to be disruptive. In summary, the available evidence is currently insufficient to determine the role of this variant in disease. Therefore, it has been classified as a Variant of Uncertain Significance.